The following is an entry in ClinVar:

ClinVar aggregate classification (germline): Uncertain significance (1 of 4 stars; one submission).

Submission:

Mayo Clinic Laboratories, Mayo Clinic
Classification: Uncertain significance. Last evaluated: 2025-01-12. Review status: criteria provided, single submitter. Criteria: ACMG Guidelines, 2015. Collection method: clinical testing. Allele origin: germline. Observed: 1 variant allele.
Comment: BP4, PM2_supporting

NM_001244008.2(KIF1A):c.5026A>C (p.Ile1676Leu)

Gene: KIF1A (kinesin family member 1A; minus strand). Cytogenetic location: 2q37.3.
Variant type: single nucleotide variant.
Coding change: c.5026A>C on transcript NM_001244008.2 (MANE Select); coding-DNA position 5026, A replaced by C.
Protein change: p.Ile1676Leu; replaces isoleucine 1676 with leucine.
Molecular consequence: missense variant.
Genome position (GRCh38, 1-based): chr2:240,719,194, T>G on the plus strand (A>C on the coding strand, the complement: KIF1A is on the minus strand). VCF-style: chr2-240719194-T-G. GRCh37 (hg19) VCF-style: chr2-241658611-T-G.
Other names: p.Ile1575Leu; c.4750A>C, p.Ile1584Leu (NM_001320705.2, NM_001379649.1); c.4777A>C, p.Ile1593Leu (NM_001330289.2); c.4825A>C, p.Ile1609Leu (NM_001330290.2, NM_001379648.1); c.5101A>C, p.Ile1701Leu (NM_001379631.1); c.5002A>C, p.Ile1668Leu (NM_001379632.1); c.4999A>C, p.Ile1667Leu (NM_001379633.1, NM_001379645.1); c.4852A>C, p.Ile1618Leu (NM_001379634.1); and 8 more; short protein forms I1618L, I1667L, I1668L, I1701L, I1592L, I1609L, I1617L, I1575L.
Identifiers: ClinVar variation 4540831 (VCV004540831.1).